The following is an entry in ClinVar:

ClinVar aggregate classification (germline): Uncertain significance (1 of 4 stars; one submission).

Submission:

Labcorp Genetics (formerly Invitae), Labcorp
Classification: Uncertain significance. Last evaluated: 2023-07-10. Review status: criteria provided, single submitter. Criteria: Invitae Variant Classification Sherloc (09022015). Collection method: clinical testing. Allele origin: germline.
Comment: In summary, the available evidence is currently insufficient to determine the role of this variant in disease. Therefore, it has been classified as a Variant of Uncertain Significance. An algorithm developed to predict the effect of missense changes on protein structure and function (PolyPhen-2) suggests that this variant is likely to be tolerated. ClinVar contains an entry for this variant (Variation ID: 2013404). This variant has not been reported in the literature in individuals affected with RIMS1-related conditions. This variant is not present in population databases (gnomAD no frequency). This sequence change replaces tyrosine, which is neutral and polar, with asparagine, which is neutral and polar, at codon 327 of the RIMS1 protein (p.Tyr327Asn).

NM_014989.7(RIMS1):c.979T>A (p.Tyr327Asn)

Gene: RIMS1 (regulating synaptic membrane exocytosis 1; plus strand). Cytogenetic location: 6q13.
Variant type: single nucleotide variant.
Coding change: c.979T>A on transcript NM_014989.7 (MANE Select); coding-DNA position 979, T replaced by A.
Protein change: p.Tyr327Asn; replaces tyrosine 327 with asparagine.
Molecular consequence: missense variant.
Genome position (GRCh38, 1-based): chr6:72,182,450, T>A. VCF-style: chr6-72182450-T-A. GRCh37 (hg19) VCF-style: chr6-72892153-T-A.
Other names: short protein forms Y327N.
Identifiers: ClinVar variation 2013404 (VCV002013404.4), dbSNP rs2551807726, ClinGen allele CA364819897.
Genomic context (GRCh38, chr6:72,182,450, plus strand): 5'-GAACGGGAGCGCAAAGAAAGGCGGGAAAGCCGAAGGCTTGAGAAAGGGCGATCACAGGAT[T>A]ACCCAGACACGCCGGAAAAACGGGATGAGGGCAAAGCGGCGGATGAGGAAAAGCAAAGAA-3'
Protein context (NP_055804.2, residues 317-337): RRLEKGRSQD[Tyr327Asn]PDTPEKRDEG